The following is an entry in ClinVar:

NM_000089.4(COL1A2):c.1138A>C (p.Lys380Gln)

Gene: COL1A2 (collagen type I alpha 2 chain; plus strand). Cytogenetic location: 7q21.3.
Variant type: single nucleotide variant.
Coding change: c.1138A>C on transcript NM_000089.4 (MANE Select); coding-DNA position 1138, A replaced by C.
Protein change: p.Lys380Gln; replaces lysine 380 with glutamine.
Molecular consequence: missense variant.
Genome position (GRCh38, 1-based): chr7:94,410,468, A>C. VCF-style: chr7-94410468-A-C. GRCh37 (hg19) VCF-style: chr7-94039780-A-C.
Other names: short protein forms K380Q.
Identifiers: ClinVar variation 3230276 (VCV003230276.4), dbSNP rs1194756393, ClinGen allele CA368221231.

ClinVar aggregate classification (germline): Uncertain significance. Review status: criteria provided, multiple submitters, no conflicts (2 of 4 stars). 3 submissions from 3 submitters: Uncertain significance (3). Last evaluated 2026-08-06.

Conditions:
Cardiovascular phenotype. Identifiers: MedGen CN230736.
Ehlers-Danlos syndrome, arthrochalasia type, 2. Also called: EHLERS-DANLOS SYNDROME, TYPE VIIB, AUTOSOMAL DOMINANT. Identifiers: MedGen CN293783, MONDO:0040501, OMIM 617821.

Allele frequency attached by ClinVar (database versions not stated): gnomAD exomes below 0.00001.
gnomAD v4.1: 7 of 1,550,498 alleles (0.00045%); highest among the groups gnomAD compares: Middle Eastern, 0.041%; no homozygotes.

Submissions (3):

OLLIN Analises Genomicas, OLLIN
Classification: Uncertain significance for Ehlers-Danlos syndrome, arthrochalasia type, 2. Last evaluated: 2026-08-06. Review status: criteria provided, single submitter. Criteria: ACMG Guidelines 2015 PMID 25741868. Collection method: clinical testing. Allele origin: germline. Inheritance: Autosomal dominant inheritance.
Comment: This missense variant, located in exon 21 (of 52), has been reported in ClinVar (accession VCV003230276.2) and in gnomAD with an allele frequency of 0.00045%. However, to our knowledge, it has not been reported in the scientific literature. In silico analysis predicts that this variant has a deleterious effect. This gene is constrained for missense variation. According to the currently available evidence, this variant has been classified as uncertain significance (PP2, PP3).

Dasa
Classification: Uncertain significance. Last evaluated: 2025-10-22. Review status: criteria provided, single submitter. Criteria: DASA Assertion Criteria. Collection method: clinical testing. Allele origin: germline.
Comment: NM_000089.4(COL1A2):c.1138A>C (p.Lys380Gln) is a missense variant that results in the substitution of lysine with glutamine. This variant is rare in population databases. Computational prediction algorithms are consistent with a deleterious effect. The currently available literature and clinical evidence are not sufficient to establish a definitive association between this variant and the reported condition. Therefore, this variant is classified as a variant of uncertain significance.

Ambry Genetics
Classification: Uncertain significance for Cardiovascular phenotype. Last evaluated: 2023-12-11. Review status: criteria provided, single submitter. Criteria: Ambry Variant Classification Scheme 2023. Collection method: clinical testing. Allele origin: germline.
Comment: The p.K380Q variant (also known as c.1138A>C), located in coding exon 21 of the COL1A2 gene, results from an A to C substitution at nucleotide position 1138. The lysine at codon 380 is replaced by glutamine, an amino acid with similar properties. This amino acid position is highly conserved in available vertebrate species. In addition, the in silico prediction for this alteration is inconclusive. Since supporting evidence is limited at this time, the clinical significance of this alteration remains unclear.